The following is an entry in ClinVar:

ClinVar aggregate classification (germline): Conflicting classifications of pathogenicity. Review status: criteria provided, conflicting classifications (1 of 4 stars). 2 submissions from 2 submitters: Uncertain significance (1); Benign (1). Last evaluated 2025-10-27.

Conditions:
Ovarian cancer. Also called: OVARIAN CANCER, SOMATIC. Identifiers: Orphanet 213500, MedGen C1140680, MONDO:0008170, OMIM 167000.

Submissions (2):

Ambry Genetics
Classification: Uncertain significance. Last evaluated: 2025-10-27. Review status: criteria provided, single submitter. Criteria: Ambry Variant Classification Scheme 2023. Collection method: clinical testing. Allele origin: germline.
Comment: The p.M1204V variant (also known as c.3610A>G), located in coding exon 5 of the MLH3 gene, results from an A to G substitution at nucleotide position 3610. The methionine at codon 1204 is replaced by valine, an amino acid with highly similar properties. This amino acid position is not well conserved in available vertebrate species. In addition, the in silico prediction for this alteration is inconclusive. The evidence for this gene-disease relationship is limited; therefore, the clinical significance of this alteration is unclear.

Laboratory of Molecular Epidemiology of Birth Defects, West China Second University Hospital, Sichuan University
Classification: Benign for Ovarian cancer. Last evaluated: 2022-01-01. Review status: criteria provided, single submitter. Criteria: ACMG Guidelines, 2015. Collection method: clinical testing. Allele origin: germline. Affected: yes.

NM_001040108.2(MLH3):c.3610A>G (p.Met1204Val)

Gene: MLH3 (mutL homolog 3; minus strand). Cytogenetic location: 14q24.3.
Variant type: single nucleotide variant.
Coding change: c.3610A>G on transcript NM_001040108.2 (MANE Select); coding-DNA position 3610, A replaced by G.
Protein change: p.Met1204Val; replaces methionine 1204 with valine.
Molecular consequence: missense variant.
Genome position (GRCh38, 1-based): chr14:75,038,373, T>C on the plus strand (A>G on the coding strand, the complement: MLH3 is on the minus strand). VCF-style: chr14-75038373-T-C. GRCh37 (hg19) VCF-style: chr14-75505076-T-C.
Other names: c.3610A>G, p.Met1204Val (NM_014381.3); short protein forms M1204V.
Identifiers: ClinVar variation 2445415 (VCV002445415.3), dbSNP rs2503179006, ClinGen allele CA390427028.